The following is an entry in ClinVar:

NM_000548.5(TSC2):c.4494-18C>T

Gene: TSC2 (TSC complex subunit 2; plus strand). Cytogenetic location: 16p13.3.
Variant type: single nucleotide variant.
Coding change: c.4494-18C>T on transcript NM_000548.5 (MANE Select); 18 bases into the intron before coding-DNA position 4494, C replaced by T.
Molecular consequence: intron variant.
Genome position (GRCh38, 1-based): chr16:2,084,933, C>T. VCF-style: chr16-2084933-C-T. GRCh37 (hg19) VCF-style: chr16-2134934-C-T.
Other names: c.4425-18C>T (NM_001114382.3); c.4365-18C>T (NM_021055.3, NM_001370405.1); c.4296-18C>T (NM_001363528.2); c.4362-18C>T (NM_001370404.1); c.4293-18C>T (NM_001077183.3); c.4185-18C>T (NM_001318827.2); c.3762-18C>T (NM_001318831.2); c.4149-18C>T (NM_001318829.2); and 1 more.
Identifiers: ClinVar variation 2044490 (VCV002044490.5), dbSNP rs1215206005, ClinGen allele CA718919175.
Genomic context (GRCh38, chr16:2,084,933, plus strand): 5'-CTCTGTGTTCCTCCCTGTGGGCTGTGGCTGCCCTGGCCAGGCCCTCACCTGGGTGCCCAC[C>T]ATCCCCTCCCTGTGCAGTTTCGTGTTCCTGCAGCTCTACCATTCCCCCTTCTTTGGCGAC-3'

ClinVar aggregate classification (germline): Likely benign. Review status: criteria provided, multiple submitters, no conflicts (2 of 4 stars). 2 submissions from 2 submitters: Likely benign (2). Last evaluated 2025-06-03.

Conditions:
Tuberous sclerosis 2 (TSC2). Identifiers: Orphanet 805, MedGen C1860707, MONDO:0013199, OMIM 613254.

Allele frequency attached by ClinVar (database versions not stated): gnomAD exomes below 0.00001; gnomAD 0.00001; TOPMed 0.00001.
gnomAD v4.1: 6 of 1,613,040 alleles (0.00037%); highest among the groups gnomAD compares: Non-Finnish European, 0.00051%; no homozygotes.

Submissions (2):

Myriad Genetics, Inc.
Classification: Likely benign for Tuberous sclerosis 2. Last evaluated: 2025-06-03. Review status: criteria provided, single submitter. Criteria: Myriad Autosomal Dominant, Autosomal Recessive and X-Linked Classification Criteria (2023). Collection method: clinical testing. Allele origin: unknown.
Comment: This variant is considered likely benign. This variant is intronic and is not expected to impact mRNA splicing.

Labcorp Genetics (formerly Invitae), Labcorp
Classification: Likely benign for Tuberous sclerosis 2. Last evaluated: 2025-04-30. Review status: criteria provided, single submitter. Criteria: Invitae Variant Classification Sherloc (09022015). Collection method: clinical testing. Allele origin: germline.